The following is an entry in ClinVar:

ClinVar aggregate classification (germline): Uncertain significance (1 of 4 stars; one submission).

Conditions:
MGAM-related disorder. Also called: MGAM-related condition.

Allele frequency attached by ClinVar (database versions not stated): TOPMed below 0.00001; gnomAD 0.00001.
gnomAD v4.1: 1 of 1,613,474 alleles (0.000062%); highest among the groups gnomAD compares: Non-Finnish European, 0.000085%; no homozygotes.

Submission:

PreventionGenetics, part of Exact Sciences
Classification: Uncertain significance for MGAM-related condition. Last evaluated: 2023-06-04. Review status: criteria provided, single submitter. Criteria: ACMG Guidelines, 2015. Collection method: clinical testing. Allele origin: germline.
Comment: The MGAM c.1826T>G variant is predicted to result in the amino acid substitution p.Ile609Ser. To our knowledge, this variant has not been reported in the literature or in a large population database, indicating this variant is rare. At this time, the clinical significance of this variant is uncertain due to the absence of conclusive functional and genetic evidence.

NM_001365693.1(MGAM):c.1826T>G (p.Ile609Ser)

Gene: MGAM (maltase-glucoamylase; plus strand). Cytogenetic location: 7q34.
Variant type: single nucleotide variant.
Coding change: c.1826T>G on transcript NM_001365693.1 (MANE Select); coding-DNA position 1826, T replaced by G.
Protein change: p.Ile609Ser; replaces isoleucine 609 with serine.
Molecular consequence: missense variant.
Genome position (GRCh38, 1-based): chr7:142,034,708, T>G. VCF-style: chr7-142034708-T-G. GRCh37 (hg19) VCF-style: chr7-141734508-T-G.
Other names: c.1826T>G, p.Ile609Ser (NM_004668.3); short protein forms I609S.
Identifiers: ClinVar variation 2628954 (VCV002628954.1), dbSNP rs1807827217, ClinGen allele CA369571350.